The following is an entry in ClinVar:

NM_001267550.2(TTN):c.16710C>G (p.Thr5570=)

Gene: TTN (titin; minus strand). Cytogenetic location: 2q31.2.
Variant type: single nucleotide variant.
Coding change: c.16710C>G on transcript NM_001267550.2 (MANE Select); coding-DNA position 16710, C replaced by G.
Protein change: p.Thr5570=; no amino-acid change (threonine 5570 retained).
Molecular consequence: synonymous variant. On other transcripts: intron variant (3).
Genome position (GRCh38, 1-based): chr2:178,732,259, G>C on the plus strand (C>G on the coding strand, the complement: TTN is on the minus strand). VCF-style: chr2-178732259-G-C. GRCh37 (hg19) VCF-style: chr2-179596986-G-C.
Other names: c.15759C>G, p.Thr5253= (NM_001256850.1); c.12978C>G, p.Thr4326= (NM_133378.4); c.13282+5823C>G (NM_003319.4); c.13858+5823C>G (NM_133437.4); c.13657+5823C>G (NM_133432.3).
Identifiers: ClinVar variation 2581771 (VCV002581771.1), dbSNP rs772649206, ClinGen allele CA2001987.

ClinVar aggregate classification (germline): Uncertain significance (1 of 4 stars; one submission).

Allele frequency attached by ClinVar (database versions not stated): gnomAD exomes below 0.00001; ExAC 0.00001.
gnomAD v4.1: 1 of 1,613,704 alleles (0.000062%); highest among the groups gnomAD compares: Non-Finnish European, 0.000085%; no homozygotes.

Submission:

GeneDx
Classification: Uncertain significance. Last evaluated: 2023-09-25. Review status: criteria provided, single submitter. Criteria: GeneDx Variant Classification Process June 2021. Collection method: clinical testing. Allele origin: germline. Affected: yes.
Comment: Has not been previously published as pathogenic or benign to our knowledge; Not observed at significant frequency in large population cohorts (gnomAD); In silico analysis supports a deleterious effect on splicing